The following is an entry in ClinVar:

NM_005631.5(SMO):c.2052G>A (p.Pro684=)

Gene: SMO (smoothened, frizzled class receptor; plus strand). Cytogenetic location: 7q32.1.
Variant type: single nucleotide variant.
Coding change: c.2052G>A on transcript NM_005631.5 (MANE Select); coding-DNA position 2052, G replaced by A.
Protein change: p.Pro684=; no amino-acid change (proline 684 retained).
Molecular consequence: synonymous variant.
Genome position (GRCh38, 1-based): chr7:129,212,139, G>A. VCF-style: chr7-129212139-G-A. GRCh37 (hg19) VCF-style: chr7-128851980-G-A.
Identifiers: ClinVar variation 1203999 (VCV001203999.8), dbSNP rs77320475, ClinGen allele CA4479599.

ClinVar aggregate classification (germline): Likely benign. Review status: criteria provided, multiple submitters, no conflicts (2 of 4 stars). 3 submissions from 3 submitters: Likely benign (2). 1 of the submissions does not count toward it. Last evaluated 2022-03-09.

Conditions:
SMO-related disorder. Also called: SMO-related condition.

Allele frequency attached by ClinVar (database versions not stated): 1000 Genomes Project 0.00719; 1000 Genomes Project 30x 0.00750; TOPMed 0.01320; gnomAD exomes 0.01386 and 0.02081; gnomAD 0.01395 and 0.01437; ESP Exome Variant Server 0.01724; ExAC 0.01755.
gnomAD v4.1: 31,205 of 1,558,618 alleles (2%); highest among the groups gnomAD compares: Non-Finnish European, 2.4%; 378 homozygotes.

Submissions (3):

GeneDx
Classification: Likely benign. Last evaluated: 2022-03-09. Review status: criteria provided, single submitter. Criteria: GeneDx Variant Classification Process June 2021. Collection method: clinical testing. Allele origin: germline. Affected: yes.

Breakthrough Genomics
Classification: Likely benign. Review status: criteria provided, single submitter. Criteria: ACMG Guidelines, 2015. Collection method: not provided. Allele origin: germline. Inheritance: Autosomal recessive inheritance. Affected: yes.

PreventionGenetics, part of Exact Sciences
Classification: Benign for SMO-related condition. Last evaluated: 2019-12-16. Review status: no assertion criteria provided. Collection method: clinical testing. Allele origin: germline. Not counted in ClinVar's aggregate classification.
Comment: This variant is classified as benign based on ACMG/AMP sequence variant interpretation guidelines (Richards et al. 2015 PMID: 25741868, with internal and published modifications).